The following is an entry in ClinVar:

ClinVar aggregate classification (germline): Pathogenic (1 of 4 stars; one submission).

Submission:

GeneDx
Classification: Pathogenic. Last evaluated: 2026-01-07. Review status: criteria provided, single submitter. Criteria: GeneDx Variant Classification Process June 2021. Collection method: clinical testing. Allele origin: germline.
Comment: Reported in a child with intellectual disability, language disability, and dysmorphic features (PMID: 37415841); Nonsense variant predicted to result in protein truncation or nonsense mediated decay in a gene for which loss of function is a known mechanism of disease; Not observed at significant frequency in large population cohorts (gnomAD); This variant is associated with the following publications: (PMID: 37415841)

NM_001172509.2(SATB2):c.1300C>T (p.Gln434Ter)

Gene: SATB2 (SATB homeobox 2; minus strand). Cytogenetic location: 2q33.1.
Variant type: single nucleotide variant.
Coding change: c.1300C>T on transcript NM_001172509.2 (MANE Select); coding-DNA position 1300, C replaced by T.
Protein change: p.Gln434Ter; replaces glutamine 434 with a stop codon.
Molecular consequence: nonsense.
Genome position (GRCh38, 1-based): chr2:199,328,784, G>A on the plus strand (C>T on the coding strand, the complement: SATB2 is on the minus strand). VCF-style: chr2-199328784-G-A. GRCh37 (hg19) VCF-style: chr2-200193507-G-A.
Other names: c.1300C>T, p.Gln434Ter (NM_001172517.1, NM_015265.4); short protein forms Q434*.
Identifiers: ClinVar variation 3342651 (VCV003342651.2).